The following is an entry in ClinVar:

ClinVar aggregate classification (germline): Uncertain significance (1 of 4 stars; one submission).

Submission:

GeneDx
Classification: Uncertain significance. Last evaluated: 2022-06-23. Review status: criteria provided, single submitter. Criteria: GeneDx Variant Classification Process June 2021. Collection method: clinical testing. Allele origin: germline. Affected: yes.
Comment: Not observed at significant frequency in large population cohorts (gnomAD); In silico analysis supports that this missense variant has a deleterious effect on protein structure/function; Has not been previously published as pathogenic or benign to our knowledge

NM_015631.6(TCTN3):c.830A>G (p.Tyr277Cys)

Gene: TCTN3 (tectonic family member 3; minus strand). Cytogenetic location: 10q24.1.
Variant type: single nucleotide variant.
Coding change: c.830A>G on transcript NM_015631.6 (MANE Select); coding-DNA position 830, A replaced by G.
Protein change: p.Tyr277Cys; replaces tyrosine 277 with cysteine.
Molecular consequence: missense variant.
Genome position (GRCh38, 1-based): chr10:95,687,066, T>C on the plus strand (A>G on the coding strand, the complement: TCTN3 is on the minus strand). VCF-style: chr10-95687066-T-C. GRCh37 (hg19) VCF-style: chr10-97446823-T-C.
Other names: c.884A>G, p.Tyr295Cys (NM_001013840.1); c.593A>G, p.Tyr198Cys (NM_001143973.2); c.830A>G, p.Tyr277Cys (NM_001410982.1); short protein forms Y198C, Y277C, Y295C.
Identifiers: ClinVar variation 1806826 (VCV001806826.1), dbSNP rs2492760709, ClinGen allele CA377707225.
Genomic context (GRCh38, chr10:95,687,066, plus strand): 5'-CATAGTAGTGACAGTGTAGGGAGAGAAAGGACACCTACCTTTAAGACTGTGAAGTTATAG[T>C]AAGAGGCAGCATTGAGGGCTGAATCCAAGGTACAGCTACTAGCCAGGTTCTTGAAAAAAC-3'
Protein context (NP_056446.4, residues 267-287): TLDSALNAAS[Tyr277Cys]YNFTVLKVPR